The following is an entry in ClinVar:

ClinVar aggregate classification (germline): Uncertain significance (1 of 4 stars; one submission).

Conditions:
Hereditary pancreatitis (PCTT). Also called: Hereditary chronic pancreatitis; PRSS1-Related Hereditary Pancreatitis. Identifiers: Orphanet 676, MedGen C0238339, MONDO:0008185, OMIM 167800.

Submission:

Ambry Genetics
Classification: Uncertain significance for Hereditary pancreatitis. Last evaluated: 2026-06-08. Review status: criteria provided, single submitter. Criteria: Ambry Variant Classification Scheme 2023. Collection method: clinical testing. Allele origin: germline.
Comment: The p.V10E variant (also known as c.29T>A), located in coding exon 1 of the PRSS1 gene, results from a T to A substitution at nucleotide position 29. The valine at codon 10 is replaced by glutamic acid, an amino acid with dissimilar properties. This amino acid position is conserved. In addition, the in silico prediction for this alteration is inconclusive. Based on the available evidence, the clinical significance of this variant remains unclear.

NM_002769.5(PRSS1):c.29T>A (p.Val10Glu)

Genes: PRSS1 (serine protease 1; plus strand), TRB (T cell receptor beta locus; plus strand). Cytogenetic location: 7q34.
Variant type: single nucleotide variant.
Coding change: c.29T>A on transcript NM_002769.5 (MANE Select); coding-DNA position 29, T replaced by A.
Protein change: p.Val10Glu; replaces valine 10 with glutamic acid.
Molecular consequence: missense variant. On other transcripts: non-coding transcript variant (5).
Genome position (GRCh38, 1-based): chr7:142,749,513, T>A. VCF-style: chr7-142749513-T-A. GRCh37 (hg19) VCF-style: chr7-142457364-T-A.
Other names: short protein forms V10E.
Identifiers: ClinVar variation 4862599 (VCV004862599.1).